The following is an entry in ClinVar:

ClinVar aggregate classification (germline): Uncertain significance (1 of 4 stars; one submission).

gnomAD v4.1: 6 of 1,605,336 alleles (0.00037%); highest among the groups gnomAD compares: Non-Finnish European, 0.00051%; no homozygotes.

Submission:

Labcorp Genetics (formerly Invitae), Labcorp
Classification: Uncertain significance. Last evaluated: 2025-01-20. Review status: criteria provided, single submitter. Criteria: Invitae Variant Classification Sherloc (09022015). Collection method: clinical testing. Allele origin: germline.
Comment: This sequence change replaces alanine, which is neutral and non-polar, with aspartic acid, which is acidic and polar, at codon 384 of the MYLK3 protein (p.Ala384Asp). This variant is not present in population databases (gnomAD no frequency). This variant has not been reported in the literature in individuals affected with MYLK3-related conditions. An algorithm developed to predict the effect of missense changes on protein structure and function outputs the following: PolyPhen-2: "Benign". The aspartic acid amino acid residue is found in multiple mammalian species, which suggests that this missense change does not adversely affect protein function. In summary, the available evidence is currently insufficient to determine the role of this variant in disease. Therefore, it has been classified as a Variant of Uncertain Significance.

NM_182493.3(MYLK3):c.1151C>A (p.Ala384Asp)

Gene: MYLK3 (myosin light chain kinase 3; minus strand). Cytogenetic location: 16q11.2.
Variant type: single nucleotide variant.
Coding change: c.1151C>A on transcript NM_182493.3 (MANE Select); coding-DNA position 1151, C replaced by A.
Protein change: p.Ala384Asp; replaces alanine 384 with aspartic acid.
Molecular consequence: missense variant.
Genome position (GRCh38, 1-based): chr16:46,732,519, G>T on the plus strand (C>A on the coding strand, the complement: MYLK3 is on the minus strand). VCF-style: chr16-46732519-G-T. GRCh37 (hg19) VCF-style: chr16-46766431-G-T.
Other names: c.128C>A, p.Ala43Asp (NM_001308301.1); short protein forms A384D, A43D.
Identifiers: ClinVar variation 3657963 (VCV003657963.2).